The following is an entry in ClinVar:

ClinVar aggregate classification (germline): Uncertain significance. Review status: criteria provided, multiple submitters, no conflicts (2 of 4 stars). 2 submissions from 2 submitters: Uncertain significance (2). Last evaluated 2025-09-22.

Conditions:
Inborn genetic diseases. Identifiers: MedGen C0950123, MeSH D030342.

Submissions (2):

Ambry Genetics
Classification: Uncertain significance for Inborn genetic diseases. Last evaluated: 2025-09-22. Review status: criteria provided, single submitter. Criteria: Ambry Variant Classification Scheme 2023. Collection method: clinical testing. Allele origin: germline.

GeneDx
Classification: Uncertain significance. Last evaluated: 2021-02-24. Review status: criteria provided, single submitter. Criteria: GeneDx Variant Classification Process June 2021. Collection method: clinical testing. Allele origin: germline. Affected: yes.
Comment: Not observed in large population cohorts (Lek et al., 2016); In silico analysis supports that this missense variant does not alter protein structure/function; Has not been previously published as pathogenic or benign to our knowledge

NM_153252.5(BRWD3):c.4955G>C (p.Arg1652Thr)

Gene: BRWD3 (bromodomain and WD repeat domain containing 3; minus strand). Cytogenetic location: Xq21.1.
Variant type: single nucleotide variant.
Coding change: c.4955G>C on transcript NM_153252.5 (MANE Select); coding-DNA position 4955, G replaced by C.
Protein change: p.Arg1652Thr; replaces arginine 1652 with threonine.
Molecular consequence: missense variant.
Genome position (GRCh38, 1-based): chrX:80,677,063, C>G on the plus strand (G>C on the coding strand, the complement: BRWD3 is on the minus strand). VCF-style: chrX-80677063-C-G. GRCh37 (hg19) VCF-style: chrX-79932562-C-G.
Other names: short protein forms R1652T.
Identifiers: ClinVar variation 1303868 (VCV001303868.3), dbSNP rs2147667127, ClinGen allele CA413746910.